The following is an entry in ClinVar:

NM_007194.4(CHEK2):c.590A>G (p.Lys197Arg)

Gene: CHEK2 (checkpoint kinase 2; minus strand). Cytogenetic location: 22q12.1.
Variant type: single nucleotide variant.
Coding change: c.590A>G on transcript NM_007194.4 (MANE Select); coding-DNA position 590, A replaced by G.
Protein change: p.Lys197Arg; replaces lysine 197 with arginine.
Molecular consequence: missense variant. On other transcripts: 5 prime UTR variant (2), intron variant (1).
Genome position (GRCh38, 1-based): chr22:28,724,979, T>C on the plus strand (A>G on the coding strand, the complement: CHEK2 is on the minus strand). VCF-style: chr22-28724979-T-C. GRCh37 (hg19) VCF-style: chr22-29120967-T-C.
Other names: c.719A>G, p.Lys240Arg (NM_001005735.3, NM_001438294.1); c.-188A>G (NM_001257387.3); c.-74A>G (NM_001437942.1); c.683A>G, p.Lys228Arg (NM_001438293.1, NM_001438295.1); c.590A>G, p.Lys197Arg (NM_145862.3); c.445-56A>G (NM_001349956.3); short protein forms K197R, K240R, K228R.
Identifiers: ClinVar variation 1043956 (VCV001043956.9), dbSNP rs1555926718, ClinGen allele CA411106916.

ClinVar aggregate classification (germline): Uncertain significance (1 of 4 stars; one submission).

Conditions:
Familial cancer of breast. Also called: hereditary breast carcinoma; Hereditary breast cancer; BREAST CANCER, FAMILIAL. Identifiers: Orphanet 227535, MedGen C0346153, MONDO:0016419, OMIM 114480. Disease mechanism: loss of function.

Submission:

Labcorp Genetics (formerly Invitae), Labcorp
Classification: Uncertain significance for Familial cancer of breast. Last evaluated: 2020-10-25. Review status: criteria provided, single submitter. Criteria: Invitae Variant Classification Sherloc (09022015). Collection method: clinical testing. Allele origin: germline.
Comment: In summary, the available evidence is currently insufficient to determine the role of this variant in disease. Therefore, it has been classified as a Variant of Uncertain Significance. Algorithms developed to predict the effect of missense changes on protein structure and function are either unavailable or do not agree on the potential impact of this missense change (SIFT: "Deleterious"; PolyPhen-2: "Benign"; Align-GVGD: "Class C25"). This variant has not been reported in the literature in individuals with CHEK2-related conditions. This variant is not present in population databases (ExAC no frequency). This sequence change replaces lysine with arginine at codon 197 of the CHEK2 protein (p.Lys197Arg). The lysine residue is highly conserved and there is a small physicochemical difference between lysine and arginine.